The following is an entry in ClinVar:

ClinVar aggregate classification (germline): Benign. Review status: criteria provided, multiple submitters, no conflicts (2 of 4 stars). 9 submissions from 8 submitters: Benign (9). Last evaluated 2026-02-03.

Conditions:
Mungan syndrome (MGS). Identifiers: MedGen C1969653, MONDO:0012657, OMIM 611376.
Cornelia de Lange syndrome 4 (CDLS4). Also called: RAD21-Related Cornelia de Lange Syndrome; CORNELIA DE LANGE SYNDROME 4 WITH OR WITHOUT MIDLINE BRAIN DEFECTS. Identifiers: Orphanet 199, MedGen C3553517, MONDO:0013864, OMIM 614701.

Allele frequency attached by ClinVar (database versions not stated): gnomAD 0.11115 and 0.11506; gnomAD exomes 0.06318; ExAC 0.06619; ESP Exome Variant Server 0.11764; TOPMed 0.12095; 1000 Genomes Project 0.14776; 1000 Genomes Project 30x 0.14928.
gnomAD v4.1: 67,931 of 1,596,092 alleles (4.3%); highest among the groups gnomAD compares: African/African-American, 30%; 4,958 homozygotes.

Submissions (34):

Labcorp Genetics (formerly Invitae), Labcorp
Classification: Benign for Cornelia de Lange syndrome 4. Last evaluated: 2026-02-03. Review status: criteria provided, single submitter. Criteria: Invitae Variant Classification Sherloc (09022015). Collection method: clinical testing. Allele origin: germline.

Blueprint Genetics
Classification: Benign. Last evaluated: 2024-11-27. Review status: criteria provided, single submitter. Criteria: ACMG Guidelines, 2015. Collection method: clinical testing. Allele origin: germline.

Genome-Nilou Lab
Classification: Benign for Mungan syndrome. Last evaluated: 2021-11-07. Review status: criteria provided, single submitter. Criteria: ACMG Guidelines, 2015. Collection method: clinical testing. Allele origin: germline. Affected: no.

Genome-Nilou Lab
Classification: Benign for Cornelia de Lange syndrome 4. Last evaluated: 2021-11-07. Review status: criteria provided, single submitter. Criteria: ACMG Guidelines, 2015. Collection method: clinical testing. Allele origin: germline. Affected: no.

GeneDx
Classification: Benign. Last evaluated: 2017-04-04. Review status: criteria provided, single submitter. Criteria: GeneDx Variant Classification (06012015). Collection method: clinical testing. Allele origin: germline. Affected: yes.
Comment: This variant is considered likely benign or benign based on one or more of the following criteria: it is a conservative change, it occurs at a poorly conserved position in the protein, it is predicted to be benign by multiple in silico algorithms, and/or has population frequency not consistent with disease.

Eurofins Ntd Llc (ga)
Classification: Benign. Last evaluated: 2016-09-02. Review status: criteria provided, single submitter. Criteria: EGL Classification Definitions 2015. Collection method: clinical testing. Allele origin: germline. Observed: 1 variant allele, 1 heterozygote.

Genetic Services Laboratory, University of Chicago
Classification: Benign. Last evaluated: 2013-02-08. Review status: criteria provided, single submitter. Criteria: ACMG Guidelines, 2007. Collection method: clinical testing. Allele origin: germline. Inheritance: Autosomal dominant inheritance.

Breakthrough Genomics
Classification: Benign. Review status: criteria provided, single submitter. Criteria: ACMG Guidelines, 2015. Collection method: not provided. Allele origin: germline. Inheritance: Autosomal recessive inheritance. Affected: yes.

PreventionGenetics, part of Exact Sciences
Classification: Benign. Review status: criteria provided, single submitter. Criteria: ACMG Guidelines, 2015. Collection method: clinical testing. Allele origin: germline.

Dr. Peter K. Rogan Lab, Western University
No classification provided (evidence only). Condition: Acute myeloid leukemia. Review status: no classification provided. Collection method: in vitro. Allele origin: not applicable. Functional consequence: retained intron. Not counted in ClinVar's aggregate classification.

Dr. Peter K. Rogan Lab, Western University
No classification provided (evidence only). Condition: Acute myeloid leukemia. Review status: no classification provided. Collection method: in vitro. Allele origin: not applicable. Functional consequence: retained intron. Not counted in ClinVar's aggregate classification.

Dr. Peter K. Rogan Lab, Western University
No classification provided (evidence only). Condition: Acute myeloid leukemia. Review status: no classification provided. Collection method: in vitro. Allele origin: not applicable. Functional consequence: retained intron. Not counted in ClinVar's aggregate classification.

Dr. Peter K. Rogan Lab, Western University
No classification provided (evidence only). Condition: Acute myeloid leukemia. Review status: no classification provided. Collection method: in vitro. Allele origin: not applicable. Functional consequence: retained intron. Not counted in ClinVar's aggregate classification.

Dr. Peter K. Rogan Lab, Western University
No classification provided (evidence only). Condition: Acute myeloid leukemia. Review status: no classification provided. Collection method: in vitro. Allele origin: not applicable. Functional consequence: retained intron. Not counted in ClinVar's aggregate classification.

Dr. Peter K. Rogan Lab, Western University
No classification provided (evidence only). Condition: Acute myeloid leukemia. Review status: no classification provided. Collection method: in vitro. Allele origin: not applicable. Functional consequence: retained intron. Not counted in ClinVar's aggregate classification.

Dr. Peter K. Rogan Lab, Western University
No classification provided (evidence only). Condition: Acute myeloid leukemia. Review status: no classification provided. Collection method: in vitro. Allele origin: not applicable. Functional consequence: retained intron. Not counted in ClinVar's aggregate classification.

Dr. Peter K. Rogan Lab, Western University
No classification provided (evidence only). Condition: Acute myeloid leukemia. Review status: no classification provided. Collection method: in vitro. Allele origin: not applicable. Functional consequence: retained intron. Not counted in ClinVar's aggregate classification.

Dr. Peter K. Rogan Lab, Western University
No classification provided (evidence only). Condition: Acute myeloid leukemia. Review status: no classification provided. Collection method: in vitro. Allele origin: not applicable. Functional consequence: retained intron. Not counted in ClinVar's aggregate classification.

Dr. Peter K. Rogan Lab, Western University
No classification provided (evidence only). Condition: Acute myeloid leukemia. Review status: no classification provided. Collection method: in vitro. Allele origin: not applicable. Functional consequence: retained intron. Not counted in ClinVar's aggregate classification.

Dr. Peter K. Rogan Lab, Western University
No classification provided (evidence only). Condition: Malignant lymphoma, large B-cell, diffuse. Review status: no classification provided. Collection method: in vitro. Allele origin: not applicable. Functional consequence: retained intron. Not counted in ClinVar's aggregate classification.

Dr. Peter K. Rogan Lab, Western University
No classification provided (evidence only). Condition: Thymoma. Review status: no classification provided. Collection method: in vitro. Allele origin: not applicable. Functional consequence: retained intron. Not counted in ClinVar's aggregate classification.

Dr. Peter K. Rogan Lab, Western University
No classification provided (evidence only). Condition: Thymoma. Review status: no classification provided. Collection method: in vitro. Allele origin: not applicable. Functional consequence: retained intron. Not counted in ClinVar's aggregate classification.

Dr. Peter K. Rogan Lab, Western University
No classification provided (evidence only). Condition: Thymoma. Review status: no classification provided. Collection method: in vitro. Allele origin: not applicable. Functional consequence: retained intron. Not counted in ClinVar's aggregate classification.

Dr. Peter K. Rogan Lab, Western University
No classification provided (evidence only). Condition: Thymoma. Review status: no classification provided. Collection method: in vitro. Allele origin: not applicable. Functional consequence: retained intron. Not counted in ClinVar's aggregate classification.

Dr. Peter K. Rogan Lab, Western University
No classification provided (evidence only). Condition: Thymoma. Review status: no classification provided. Collection method: in vitro. Allele origin: not applicable. Functional consequence: retained intron. Not counted in ClinVar's aggregate classification.

Dr. Peter K. Rogan Lab, Western University
No classification provided (evidence only). Condition: Thymoma. Review status: no classification provided. Collection method: in vitro. Allele origin: not applicable. Functional consequence: retained intron. Not counted in ClinVar's aggregate classification.

Dr. Peter K. Rogan Lab, Western University
No classification provided (evidence only). Condition: Thymoma. Review status: no classification provided. Collection method: in vitro. Allele origin: not applicable. Functional consequence: retained intron. Not counted in ClinVar's aggregate classification.

Dr. Peter K. Rogan Lab, Western University
No classification provided (evidence only). Condition: Thymoma. Review status: no classification provided. Collection method: in vitro. Allele origin: not applicable. Functional consequence: retained intron. Not counted in ClinVar's aggregate classification.

Dr. Peter K. Rogan Lab, Western University
No classification provided (evidence only). Condition: Thymoma. Review status: no classification provided. Collection method: in vitro. Allele origin: not applicable. Functional consequence: retained intron. Not counted in ClinVar's aggregate classification.

Dr. Peter K. Rogan Lab, Western University
No classification provided (evidence only). Condition: Cholangiocarcinoma. Review status: no classification provided. Collection method: in vitro. Allele origin: not applicable. Functional consequence: retained intron. Not counted in ClinVar's aggregate classification.

Dr. Peter K. Rogan Lab, Western University
No classification provided (evidence only). Condition: Cholangiocarcinoma. Review status: no classification provided. Collection method: in vitro. Allele origin: not applicable. Functional consequence: retained intron. Not counted in ClinVar's aggregate classification.

Dr. Peter K. Rogan Lab, Western University
No classification provided (evidence only). Condition: Uterine carcinosarcoma. Review status: no classification provided. Collection method: in vitro. Allele origin: not applicable. Functional consequence: retained intron. Not counted in ClinVar's aggregate classification.

Dr. Peter K. Rogan Lab, Western University
No classification provided (evidence only). Condition: Uterine carcinosarcoma. Review status: no classification provided. Collection method: in vitro. Allele origin: not applicable. Functional consequence: retained intron. Not counted in ClinVar's aggregate classification.

Dr. Peter K. Rogan Lab, Western University
No classification provided (evidence only). Condition: Uveal melanoma. Review status: no classification provided. Collection method: in vitro. Allele origin: not applicable. Functional consequence: retained intron. Not counted in ClinVar's aggregate classification.

NM_006265.3(RAD21):c.688+8G>A

Gene: RAD21 (RAD21 cohesin complex component; minus strand). Cytogenetic location: 8q24.11.
Variant type: single nucleotide variant.
Coding change: c.688+8G>A on transcript NM_006265.3 (MANE Select); 8 bases into the intron after coding-DNA position 688, G replaced by A.
Molecular consequence: intron variant.
Genome position (GRCh38, 1-based): chr8:116,857,259, C>T on the plus strand (G>A on the coding strand, the complement: RAD21 is on the minus strand). VCF-style: chr8-116857259-C-T. GRCh37 (hg19) VCF-style: chr8-117869498-C-T.
Identifiers: ClinVar variation 159808 (VCV000159808.24), dbSNP rs2921787, ClinGen allele CA173312.
Genomic context (GRCh38, chr8:116,857,259, plus strand): 5'-GTTTCCAAAACTTTACAACTTAATAAAGAAATTCTGTTTATGCTGGAATAACCATCATTC[C>T]CACATACCTAATATTCCACCATCATTTCCTTCTCCAAAATTATCATCCTTATATTGATCT-3'